The following is an entry in ClinVar:

ClinVar aggregate classification (germline): Uncertain significance (1 of 4 stars; one submission).

gnomAD v4.1: 1 of 1,182,330 alleles (0.000085%); highest among the groups gnomAD compares: Non-Finnish European, 0.00011%; no homozygotes.

Submission:

Ambry Genetics
Classification: Uncertain significance. Last evaluated: 2022-03-07. Review status: criteria provided, single submitter. Criteria: Ambry Variant Classification Scheme 2023. Collection method: clinical testing. Allele origin: germline.
Comment: The p.A20E variant (also known as c.59C>A), located in coding exon 1 of the GALNT12 gene, results from a C to A substitution at nucleotide position 59. The alanine at codon 20 is replaced by glutamic acid, an amino acid with dissimilar properties. This amino acid position is conserved. In addition, this alteration is predicted to be tolerated by in silico analysis. Since supporting evidence is limited at this time, the clinical significance of this alteration remains unclear.

NM_024642.5(GALNT12):c.59C>A (p.Ala20Glu)

Genes: GALNT12 (polypeptide N-acetylgalactosaminyltransferase 12; plus strand), LOC130002222 (ATAC-STARR-seq lymphoblastoid silent region 20123; plus strand). Cytogenetic location: 9q22.33.
Variant type: single nucleotide variant.
Coding change: c.59C>A on transcript NM_024642.5 (MANE Select); coding-DNA position 59, C replaced by A.
Protein change: p.Ala20Glu; replaces alanine 20 with glutamic acid.
Molecular consequence: missense variant.
Genome position (GRCh38, 1-based): chr9:98,807,757, C>A. VCF-style: chr9-98807757-C-A. GRCh37 (hg19) VCF-style: chr9-101570039-C-A.
Other names: short protein forms A20E.
Identifiers: ClinVar variation 1750953 (VCV001750953.2), dbSNP rs1835406332, ClinGen allele CA374222149.
Genomic context (GRCh38, chr9:98,807,757, plus strand): 5'-GCATGTGGGGGCGCACGGCGCGGCGGCGCTGCCCGCGGGAACTGCGGCGCGGCCGGGAGG[C>A]GCTGTTGGTGCTCCTGGCGCTACTGGCGTTGGCCGGGCTGGGCTCGGTGCTGCGGGCGCA-3'
Protein context (NP_078918.3, residues 10-30): CPRELRRGRE[Ala20Glu]LLVLLALLAL